The following is an entry in ClinVar:

ClinVar aggregate classification (germline): Benign/Likely benign. Review status: criteria provided, multiple submitters, no conflicts (2 of 4 stars). 10 submissions from 9 submitters: Benign (2); Likely benign (6). 2 of the submissions do not count toward it. Last evaluated 2026-01-20.

Conditions:
Hereditary cancer-predisposing syndrome. Also called: Neoplastic Syndromes, Hereditary; Hereditary Cancer Syndrome; Tumor predisposition; Hereditary neoplastic syndrome. Identifiers: Orphanet 140162, MedGen C0027672, MeSH D009386, MONDO:0015356.
Multiple endocrine neoplasia, type 2 (MEN2). Identifiers: Orphanet 653, MedGen C4048306, MONDO:0019003. Disease mechanism: gain of function.
Multiple endocrine neoplasia type 2A. Also called: MULTIPLE ENDOCRINE NEOPLASIA, TYPE IIA; PTC SYNDROME; SIPPLE SYNDROME; MEN 2A; MEN-2A syndrome; Pheochromocytoma and amyloid producing medullary thyroid carcinoma. Identifiers: Orphanet 247698, Orphanet 653, MedGen C0025268, MeSH D018813, MONDO:0008234, OMIM 171400.
Multiple endocrine neoplasia type 2B. Also called: MEN 2B; MUCOSAL NEUROMA SYNDROME; MEN IIB; NEUROMATA, MUCOSAL, WITH ENDOCRINE TUMORS; WAGENMANN-FROBOESE SYNDROME; MULTIPLE ENDOCRINE NEOPLASIA, TYPE III. Identifiers: Orphanet 247709, Orphanet 653, MedGen C0025269, MeSH D018814, MONDO:0008082, OMIM 162300.

Allele frequency attached by ClinVar (database versions not stated): ExAC 0.00005; ESP Exome Variant Server 0.00008; gnomAD exomes 0.00009; gnomAD 0.00013 and 0.00014; TOPMed 0.00018.
gnomAD v4.1: 408 of 1,613,662 alleles (0.025%); highest among the groups gnomAD compares: Middle Eastern, 0.033%; no homozygotes.

Submissions (10):

Labcorp Genetics (formerly Invitae), Labcorp
Classification: Likely benign for Multiple endocrine neoplasia, type 2. Last evaluated: 2026-01-20. Review status: criteria provided, single submitter. Criteria: Invitae Variant Classification Sherloc (09022015). Collection method: clinical testing. Allele origin: germline.

CeGaT Center for Human Genetics Tuebingen
Classification: Likely benign. Last evaluated: 2025-06-01. Review status: criteria provided, single submitter. Criteria: CeGaT Center For Human Genetics Tuebingen Variant Classification Criteria Version 2. Collection method: clinical testing. Allele origin: germline. Affected: yes. Observed: 2 variant alleles.
Comment: RET: BP4, BP7

Blueprint Genetics
Classification: Likely benign. Last evaluated: 2024-09-09. Review status: criteria provided, single submitter. Criteria: ACMG Guidelines, 2015. Collection method: clinical testing. Allele origin: germline.

Women's Health and Genetics/Laboratory Corporation of America, LabCorp
Classification: Benign. Last evaluated: 2024-09-03. Review status: criteria provided, single submitter. Criteria: LabCorp Variant Classification Summary - May 2015. Collection method: clinical testing. Allele origin: germline.

Myriad Genetics, Inc.
Classification: Benign for Multiple endocrine neoplasia type 2A. Last evaluated: 2023-04-17. Review status: criteria provided, single submitter. Criteria: Myriad Autosomal Dominant, Autosomal Recessive and X-Linked Classification Criteria (2023). Collection method: clinical testing. Allele origin: unknown.
Comment: This variant is considered benign. This variant is a silent/synonymous amino acid change and it is not expected to impact splicing.

Color Diagnostics, LLC DBA Color Health
Classification: Likely benign for Multiple endocrine neoplasia, type 2. Last evaluated: 2022-11-06. Review status: criteria provided, single submitter. Criteria: ACMG Guidelines, 2015. Collection method: clinical testing. Allele origin: germline.

Sema4
Classification: Likely benign for Hereditary cancer-predisposing syndrome. Last evaluated: 2020-07-15. Review status: criteria provided, single submitter. Criteria: Sema4 Curation Guidelines. Collection method: curation. Allele origin: germline.

Ambry Genetics
Classification: Likely benign for Hereditary cancer-predisposing syndrome. Last evaluated: 2015-12-03. Review status: criteria provided, single submitter. Criteria: Ambry Variant Classification Scheme 2023. Collection method: clinical testing. Allele origin: germline.

Counsyl
Classification: Likely benign for Multiple endocrine neoplasia type 2B. Last evaluated: 2016-04-13. Review status: no assertion criteria provided. Collection method: clinical testing. Allele origin: unknown. Not counted in ClinVar's aggregate classification.

Counsyl
Classification: Likely benign for Multiple endocrine neoplasia type 2A. Last evaluated: 2016-04-13. Review status: no assertion criteria provided. Collection method: clinical testing. Allele origin: unknown. Not counted in ClinVar's aggregate classification.

NM_020975.6(RET):c.1017G>A (p.Ser339=)

Gene: RET (ret proto-oncogene; plus strand). Cytogenetic location: 10q11.21.
Variant type: single nucleotide variant.
Coding change: c.1017G>A on transcript NM_020975.6 (MANE Select); coding-DNA position 1017, G replaced by A.
Protein change: p.Ser339=; no amino-acid change (serine 339 retained).
Molecular consequence: synonymous variant. On other transcripts: intron variant (25).
Genome position (GRCh38, 1-based): chr10:43,106,525, G>A. VCF-style: chr10-43106525-G-A. GRCh37 (hg19) VCF-style: chr10-43601973-G-A.
Other names: c.1017G>A, p.Ser339= (NM_000323.2, NM_001406743.1, NM_001406744.1 and 6 more transcripts); c.255G>A, p.Ser85= (NM_001355216.2); c.888G>A, p.Ser296= (NM_001406761.1, NM_001406762.1, NM_001406764.1 and 1 more transcripts); c.729G>A, p.Ser243= (NM_001406766.1, NM_001406767.1, NM_001406770.1); c.867+1332G>A (NM_001406772.1, NM_001406769.1); c.626-2506G>A (NM_001406773.1, NM_001406771.1); c.625+3896G>A (NM_001406782.1, NM_001406780.1, NM_001406779.1 and 3 more transcripts); c.738+1332G>A (NM_001406774.1); and 5 more.
Identifiers: ClinVar variation 220952 (VCV000220952.48), dbSNP rs369810881, ClinGen allele CA030666.